The following is an entry in ClinVar:

ClinVar aggregate classification (germline): Conflicting classifications of pathogenicity. Review status: criteria provided, conflicting classifications (1 of 4 stars). 5 submissions from 2 submitters: Uncertain significance (3); Benign (1); Likely benign (1). Last evaluated 2023-06-01.

Conditions:
Neurofibromatosis-Noonan syndrome (NFNS). Also called: NEUROFIBROMATOSIS WITH NOONAN PHENOTYPE. Identifiers: Orphanet 638, MedGen C2931482, MONDO:0011035, OMIM 601321. Disease mechanism: loss of function.
Café-au-lait macules with pulmonary stenosis (WTSN). Also called: PULMONIC STENOSIS WITH CAFE-AU-LAIT SPOTS. Identifiers: MedGen C0553586, MONDO:0008672, OMIM 193520.
Neurofibromatosis, familial spinal (FSNF). Identifiers: Orphanet 636, MedGen C1834235, MONDO:0008078, OMIM 162210. Disease mechanism: loss of function.
Neurofibromatosis, type 1 (NF1). Also called: Neurofibromatosis, type I; VON RECKLINGHAUSEN DISEASE; Peripheral type neurofibromatosis; NEUROFIBROMATOSIS, TYPE I, SOMATIC. Identifiers: Orphanet 636, MedGen C0027831, MONDO:0018975, OMIM 162200. Disease mechanism: loss of function.

Allele frequency attached by ClinVar (database versions not stated): 1000 Genomes Project 30x 0.00078; 1000 Genomes Project 0.00080; TOPMed 0.00116; gnomAD 0.00180 and 0.00185.
gnomAD v4.1: 2,415 of 1,273,858 alleles (0.19%); highest among the groups gnomAD compares: Middle Eastern, 0.19%; 9 homozygotes.

Submissions (5):

CeGaT Center for Human Genetics Tuebingen
Classification: Likely benign. Last evaluated: 2023-06-01. Review status: criteria provided, single submitter. Criteria: CeGaT Center For Human Genetics Tuebingen Variant Classification Criteria Version 2. Collection method: clinical testing. Allele origin: germline. Affected: yes. Observed: 6 variant alleles.
Comment: NF1: BS1

Illumina Laboratory Services, Illumina
Classification: Benign for Neurofibromatosis-Noonan syndrome. Last evaluated: 2018-01-13. Review status: criteria provided, single submitter. Criteria: ICSL Variant Classification Criteria 13 December 2019. Collection method: clinical testing. Allele origin: germline.
Comment: This variant was observed in the ICSL laboratory as part of a predisposition screen in an ostensibly healthy population. It had not been previously curated by ICSL or reported in the Human Gene Mutation Database (HGMD: prior to June 1st, 2018), and was therefore a candidate for classification through an automated scoring system. Utilizing variant allele frequency, disease prevalence and penetrance estimates, and inheritance mode, an automated score was calculated to assess if this variant is too frequent to cause the disease. Based on the score and internal cut-off values, a variant classified as benign is not then subjected to further curation. The score for this variant resulted in a classification of benign for this disease.

Illumina Laboratory Services, Illumina
Classification: Uncertain significance for Café-au-lait macules with pulmonary stenosis. Last evaluated: 2018-01-13. Review status: criteria provided, single submitter. Criteria: ICSL Variant Classification Criteria 13 December 2019. Collection method: clinical testing. Allele origin: germline.

Illumina Laboratory Services, Illumina
Classification: Uncertain significance for Neurofibromatosis, type 1. Last evaluated: 2018-01-13. Review status: criteria provided, single submitter. Criteria: ICSL Variant Classification Criteria 13 December 2019. Collection method: clinical testing. Allele origin: germline.

Illumina Laboratory Services, Illumina
Classification: Uncertain significance for Neurofibromatosis, familial spinal. Last evaluated: 2018-01-13. Review status: criteria provided, single submitter. Criteria: ICSL Variant Classification Criteria 13 December 2019. Collection method: clinical testing. Allele origin: germline.

NM_001042492.3(NF1):c.*126G>A

Gene: NF1 (neurofibromin 1; plus strand). Cytogenetic location: 17q11.2.
Variant type: single nucleotide variant.
Coding change: c.*126G>A on transcript NM_001042492.3 (MANE Select); 126 bases downstream of the stop codon, G replaced by A.
Molecular consequence: 3 prime UTR variant.
Genome position (GRCh38, 1-based): chr17:31,374,281, G>A. VCF-style: chr17-31374281-G-A. GRCh37 (hg19) VCF-style: chr17-29701299-G-A.
Other names: c.*126G>A (NM_000267.4).
Identifiers: ClinVar variation 891306 (VCV000891306.35), dbSNP rs184715593, ClinGen allele CA289712509.